The following is an entry in ClinVar:

NM_198578.4(LRRK2):c.6481A>C (p.Asn2161His)

Gene: LRRK2 (leucine rich repeat kinase 2; plus strand). Cytogenetic location: 12q12.
Variant type: single nucleotide variant.
Coding change: c.6481A>C on transcript NM_198578.4 (MANE Select); coding-DNA position 6481, A replaced by C.
Protein change: p.Asn2161His; replaces asparagine 2161 with histidine.
Molecular consequence: missense variant.
Genome position (GRCh38, 1-based): chr12:40,351,638, A>C. VCF-style: chr12-40351638-A-C. GRCh37 (hg19) VCF-style: chr12-40745440-A-C.
Other names: short protein forms N2161H.
Identifiers: ClinVar variation 3229731 (VCV003229731.1), dbSNP rs1028889808, ClinGen allele CA384406939.

ClinVar aggregate classification (germline): Uncertain significance (1 of 4 stars; one submission).

Conditions:
Inborn genetic diseases. Identifiers: MedGen C0950123, MeSH D030342.

Submission:

Ambry Genetics
Classification: Uncertain significance for Inborn genetic diseases. Last evaluated: 2024-02-28. Review status: criteria provided, single submitter. Criteria: Ambry Variant Classification Scheme 2023. Collection method: clinical testing. Allele origin: germline.
Comment: The p.N2161H variant (also known as c.6481A>C), located in coding exon 44 of the LRRK2 gene, results from an A to C substitution at nucleotide position 6481. The asparagine at codon 2161 is replaced by histidine, an amino acid with similar properties. This amino acid position is conserved. In addition, this alteration is predicted to be tolerated by in silico analysis. Based on the available evidence, the clinical significance of this alteration remains unclear.